The following is an entry in ClinVar:

NM_000111.3(SLC26A3):c.277G>A (p.Ala93Thr)

Gene: SLC26A3 (solute carrier family 26 member 3; minus strand). Cytogenetic location: 7q22.3.
Variant type: single nucleotide variant.
Coding change: c.277G>A on transcript NM_000111.3 (MANE Select); coding-DNA position 277, G replaced by A.
Protein change: p.Ala93Thr; replaces alanine 93 with threonine.
Molecular consequence: missense variant.
Genome position (GRCh38, 1-based): chr7:107,791,935, C>T on the plus strand (G>A on the coding strand, the complement: SLC26A3 is on the minus strand). VCF-style: chr7-107791935-C-T. GRCh37 (hg19) VCF-style: chr7-107432380-C-T.
Other names: short protein forms A93T.
Identifiers: ClinVar variation 1942927 (VCV001942927.3), dbSNP rs767469189, ClinGen allele CA4434178.
Genomic context (GRCh38, chr7:107,791,935, plus strand): 5'-CTGGGAAAAAGGATGCATACAACCCATAGACTGGGGGAATGTCGACCAGCAGAGCAAATG[C>T]TAAACCTGTAAACACACAAGCAGCAGAGCCCTTACTCTGTGCAAGAGGAATCAAAGACAT-3'
Protein context (NP_000102.1, residues 83-103): TGIVAVLQGL[Ala93Thr]FALLVDIPPV

ClinVar aggregate classification (germline): Uncertain significance. Review status: criteria provided, multiple submitters, no conflicts (2 of 4 stars). 2 submissions from 2 submitters: Uncertain significance (2). Last evaluated 2024-12-02.

Conditions:
Inborn genetic diseases. Identifiers: MedGen C0950123, MeSH D030342.

Allele frequency attached by ClinVar (database versions not stated): gnomAD 0.00001; gnomAD exomes 0.00001; ExAC 0.00002; TOPMed 0.00003.
gnomAD v4.1: 19 of 1,597,088 alleles (0.0012%); highest among the groups gnomAD compares: Non-Finnish European, 0.0015%; no homozygotes.

Submissions (2):

Ambry Genetics
Classification: Uncertain significance for Inborn genetic diseases. Last evaluated: 2024-12-02. Review status: criteria provided, single submitter. Criteria: Ambry Variant Classification Scheme 2023. Collection method: clinical testing. Allele origin: germline.

Labcorp Genetics (formerly Invitae), Labcorp
Classification: Uncertain significance. Last evaluated: 2022-02-27. Review status: criteria provided, single submitter. Criteria: Invitae Variant Classification Sherloc (09022015). Collection method: clinical testing. Allele origin: germline.
Comment: This sequence change replaces alanine, which is neutral and non-polar, with threonine, which is neutral and polar, at codon 93 of the SLC26A3 protein (p.Ala93Thr). This variant is present in population databases (rs767469189, gnomAD 0.004%). This variant has not been reported in the literature in individuals affected with SLC26A3-related conditions. Advanced modeling of protein sequence and biophysical properties (such as structural, functional, and spatial information, amino acid conservation, physicochemical variation, residue mobility, and thermodynamic stability) performed at Invitae indicates that this missense variant is expected to disrupt SLC26A3 protein function. In summary, the available evidence is currently insufficient to determine the role of this variant in disease. Therefore, it has been classified as a Variant of Uncertain Significance.